The following is an entry in ClinVar:

NM_003482.4(KMT2D):c.14267A>G (p.Lys4756Arg)

Gene: KMT2D (lysine methyltransferase 2D; minus strand). Cytogenetic location: 12q13.12.
Variant type: single nucleotide variant.
Coding change: c.14267A>G on transcript NM_003482.4 (MANE Select); coding-DNA position 14267, A replaced by G.
Protein change: p.Lys4756Arg; replaces lysine 4756 with arginine.
Molecular consequence: missense variant.
Genome position (GRCh38, 1-based): chr12:49,028,943, T>C on the plus strand (A>G on the coding strand, the complement: KMT2D is on the minus strand). VCF-style: chr12-49028943-T-C. GRCh37 (hg19) VCF-style: chr12-49422726-T-C.
Other names: short protein forms K4756R.
Identifiers: ClinVar variation 2730890 (VCV002730890.3), dbSNP rs2120388199, ClinGen allele CA384696657.

ClinVar aggregate classification (germline): Uncertain significance (1 of 4 stars; one submission).

Conditions:
Kabuki syndrome. Also called: Kabuki make-up syndrome; NIIKAWA-KUROKI SYNDROME. Identifiers: Orphanet 2322, MedGen C0796004, MONDO:0016512.

Submission:

Labcorp Genetics (formerly Invitae), Labcorp
Classification: Uncertain significance for Kabuki syndrome. Last evaluated: 2023-09-21. Review status: criteria provided, single submitter. Criteria: Invitae Variant Classification Sherloc (09022015). Collection method: clinical testing. Allele origin: germline.
Comment: In summary, the available evidence is currently insufficient to determine the role of this variant in disease. Therefore, it has been classified as a Variant of Uncertain Significance. Advanced modeling of protein sequence and biophysical properties (such as structural, functional, and spatial information, amino acid conservation, physicochemical variation, residue mobility, and thermodynamic stability) performed at Invitae indicates that this missense variant is not expected to disrupt KMT2D protein function. This variant has not been reported in the literature in individuals affected with KMT2D-related conditions. This variant is not present in population databases (gnomAD no frequency). This sequence change replaces lysine, which is basic and polar, with arginine, which is basic and polar, at codon 4756 of the KMT2D protein (p.Lys4756Arg).